The following is an entry in ClinVar:

NM_001001563.5(TIMM50):c.364T>A (p.Tyr122Asn)

Gene: TIMM50 (translocase of inner mitochondrial membrane 50; plus strand). Cytogenetic location: 19q13.2.
Variant type: single nucleotide variant.
Coding change: c.364T>A on transcript NM_001001563.5 (MANE Select); coding-DNA position 364, T replaced by A.
Protein change: p.Tyr122Asn; replaces tyrosine 122 with asparagine.
Molecular consequence: missense variant. On other transcripts: intron variant (1).
Genome position (GRCh38, 1-based): chr19:39,485,594, T>A. VCF-style: chr19-39485594-T-A. GRCh37 (hg19) VCF-style: chr19-39976234-T-A.
Other names: c.34-94T>A (NM_001329559.2); short protein forms Y122N.
Identifiers: ClinVar variation 1718638 (VCV001718638.5), dbSNP rs2514618724, ClinGen allele CA405787142.
Genomic context (GRCh38, chr19:39,485,594, plus strand): 5'-GTTCTCCTAGATCCAATTCTGGTACAGCAGTTGCGCCGGACATACAAATATTTCAAAGAT[T>A]ATAGACAGGTGAGCAGAAGCCCTGGGCTCAGTCCCCATGTCTCCAGCCCTGGCCTCCTTG-3'
Protein context (NP_001001563.2, residues 112-132): LRRTYKYFKD[Tyr122Asn]RQMIIEPTSP

ClinVar aggregate classification (germline): Uncertain significance (1 of 4 stars; one submission).

Submission:

Labcorp Genetics (formerly Invitae), Labcorp
Classification: Uncertain significance. Last evaluated: 2022-07-19. Review status: criteria provided, single submitter. Criteria: Invitae Variant Classification Sherloc (09022015). Collection method: clinical testing. Allele origin: germline.
Comment: Algorithms developed to predict the effect of missense changes on protein structure and function are either unavailable or do not agree on the potential impact of this missense change (SIFT: "Not Available"; PolyPhen-2: "Probably Damaging"; Align-GVGD: "Not Available"). This variant has not been reported in the literature in individuals affected with TIMM50-related conditions. This variant is not present in population databases (gnomAD no frequency). This sequence change replaces tyrosine, which is neutral and polar, with asparagine, which is neutral and polar, at codon 225 of the TIMM50 protein (p.Tyr225Asn). In summary, the available evidence is currently insufficient to determine the role of this variant in disease. Therefore, it has been classified as a Variant of Uncertain Significance.